The following is an entry in ClinVar:

NM_022817.3(PER2):c.216G>A (p.Pro72=)

Gene: PER2 (period circadian regulator 2; minus strand). Cytogenetic location: 2q37.3.
Variant type: single nucleotide variant.
Coding change: c.216G>A on transcript NM_022817.3 (MANE Select); coding-DNA position 216, G replaced by A.
Protein change: p.Pro72=; no amino-acid change (proline 72 retained).
Molecular consequence: synonymous variant.
Genome position (GRCh38, 1-based): chr2:238,277,721, C>T on the plus strand (G>A on the coding strand, the complement: PER2 is on the minus strand). VCF-style: chr2-238277721-C-T. GRCh37 (hg19) VCF-style: chr2-239186362-C-T.
Identifiers: ClinVar variation 738520 (VCV000738520.4), dbSNP rs561050117, ClinGen allele CA2197875.
Genomic context (GRCh38, chr2:238,277,721, plus strand): 5'-AGAAAACAACCTGCCCAGCCTCCATCTGGCCAGAGGCTGAACTCACCTCTGGCGGGCATC[C>T]GGTGGCTCCACCAGCATCCCCAGCTCCTTCCCACTGTCGTCACAGTCACTGCCCTGCGAG-3'
Protein context (NP_073728.1, residues 62-82): GKELGMLVEP[Pro72=]DARQSPDTFS

ClinVar aggregate classification (germline): Likely benign. Review status: criteria provided, multiple submitters, no conflicts (2 of 4 stars). 2 submissions from 2 submitters: Likely benign (2). Last evaluated 2026-08-01.

Allele frequency attached by ClinVar (database versions not stated): gnomAD 0.00003 and 0.00005; gnomAD exomes 0.00003 and 0.00004; TOPMed 0.00003; ExAC 0.00004; 1000 Genomes Project 30x 0.00016; 1000 Genomes Project 0.00020.
gnomAD v4.1: 60 of 1,614,168 alleles (0.0037%); highest among the groups gnomAD compares: African/African-American, 0.008%; no homozygotes.

Submissions (2):

CeGaT Center for Human Genetics Tuebingen
Classification: Likely benign. Last evaluated: 2026-08-01. Review status: criteria provided, single submitter. Criteria: CeGaT Center For Human Genetics Tuebingen Variant Classification Criteria Version 2. Collection method: clinical testing. Allele origin: germline. Affected: yes. Observed: 1 variant allele.
Comment: PER2: BP4, BP7

Labcorp Genetics (formerly Invitae), Labcorp
Classification: Likely benign. Last evaluated: 2018-07-04. Review status: criteria provided, single submitter. Criteria: Invitae Variant Classification Sherloc (09022015). Collection method: clinical testing. Allele origin: germline.